The following is an entry in ClinVar:

ClinVar aggregate classification (germline): Likely benign (1 of 4 stars; one submission).

Submission:

GeneDx
Classification: Likely benign. Last evaluated: 2017-08-15. Review status: criteria provided, single submitter. Criteria: GeneDx Variant Classification (06012015). Collection method: clinical testing. Allele origin: germline. Affected: yes.
Comment: This variant is considered likely benign or benign based on one or more of the following criteria: it is a conservative change, it occurs at a poorly conserved position in the protein, it is predicted to be benign by multiple in silico algorithms, and/or has population frequency not consistent with disease.

NM_012213.3(MLYCD):c.-6G>C

Genes: MLYCD (malonyl-CoA decarboxylase; plus strand), LOC130059554 (ATAC-STARR-seq lymphoblastoid silent region 7769; plus strand). Cytogenetic location: 16q23.3.
Variant type: single nucleotide variant.
Coding change: c.-6G>C on transcript NM_012213.3 (MANE Select); 6 bases upstream of the start codon, G replaced by C.
Molecular consequence: 5 prime UTR variant.
Genome position (GRCh38, 1-based): chr16:83,899,139, G>C. VCF-style: chr16-83899139-G-C. GRCh37 (hg19) VCF-style: chr16-83932744-G-C.
Identifiers: ClinVar variation 511138 (VCV000511138.1), dbSNP rs1264368499, ClinGen allele CA658798642.
Genomic context (GRCh38, chr16:83,899,139, plus strand): 5'-CGCGCCGGAAGCCGGAAGCGCGGCAGCGGCGGCGGCGCTCCCCCTCGGCAGCTGTTGTGG[G>C]GCACCATGCGAGGCTTCGGGCCAGGCTTGACGGCCAGGCGTCTCCTCCCGCTGCGGTTGC-3'